The following is an entry in ClinVar:

ClinVar aggregate classification (germline): Uncertain significance (1 of 4 stars; one submission).

Conditions:
Inborn genetic diseases. Identifiers: MedGen C0950123, MeSH D030342.

gnomAD v4.1: 1 of 1,614,144 alleles (0.000062%); highest among the groups gnomAD compares: Non-Finnish European, 0.000085%; no homozygotes.

Submission:

Ambry Genetics
Classification: Uncertain significance for Inborn genetic diseases. Last evaluated: 2025-03-16. Review status: criteria provided, single submitter. Criteria: Ambry Variant Classification Scheme 2023. Collection method: clinical testing. Allele origin: germline.
Comment: The p.E229Q variant (also known as c.685G>C), located in coding exon 6 of the USB1 gene, results from a G to C substitution at nucleotide position 685. The glutamic acid at codon 229 is replaced by glutamine, an amino acid with highly similar properties. This amino acid position is conserved. In addition, this alteration is predicted to be tolerated by in silico analysis. Based on the available evidence, the clinical significance of this variant remains unclear.

NM_024598.4(USB1):c.685G>C (p.Glu229Gln)

Gene: USB1 (U6 snRNA biogenesis phosphodiesterase 1; plus strand). Cytogenetic location: 16q21.
Variant type: single nucleotide variant.
Coding change: c.685G>C on transcript NM_024598.4 (MANE Select); coding-DNA position 685, G replaced by C.
Protein change: p.Glu229Gln; replaces glutamic acid 229 with glutamine.
Molecular consequence: missense variant.
Genome position (GRCh38, 1-based): chr16:58,019,047, G>C. VCF-style: chr16-58019047-G-C. GRCh37 (hg19) VCF-style: chr16-58052951-G-C.
Other names: c.631G>C, p.Glu211Gln (NM_001195302.2); c.532G>C, p.Glu178Gln (NM_001330568.2); short protein forms E211Q, E229Q, E178Q.
Identifiers: ClinVar variation 3978136 (VCV003978136.1).